The following is an entry in ClinVar:

ClinVar aggregate classification (germline): Benign/Likely benign. Review status: criteria provided, multiple submitters, no conflicts (2 of 4 stars). 4 submissions from 4 submitters: Benign (1); Likely benign (2). 1 of the submissions does not count toward it. Last evaluated 2025-10-25.

Conditions:
SMAD4-related disorder. Also called: SMAD4-related condition; SMAD4-Related disorders.
Juvenile polyposis syndrome (JPS). Identifiers: Orphanet 2929, MedGen C0345893, MONDO:0017380, OMIM 174900.
Hereditary cancer-predisposing syndrome. Also called: Neoplastic Syndromes, Hereditary; Hereditary Cancer Syndrome; Hereditary neoplastic syndrome; Tumor predisposition. Identifiers: Orphanet 140162, MedGen C0027672, MeSH D009386, MONDO:0015356.
Familial thoracic aortic aneurysm and aortic dissection (TAAD). Also called: Thoracic aortic aneurysms and dissections. Identifiers: Orphanet 91387, MedGen C4707243, MONDO:0019625.
Juvenile polyposis/hereditary hemorrhagic telangiectasia syndrome (JPHT). Also called: POLYPOSIS, GENERALIZED JUVENILE, WITH PULMONARY ARTERIOVENOUS MALFORMATION; TELANGIECTASIA, HEREDITARY HEMORRHAGIC, WITH JUVENILE POLYPOSIS COLI; Juvenile Polyposis Syndrome / Hereditary Hemorrhagic Telangiectasia (JPS/HHT); JP/HHT SYNDROME; JUVENILE POLYPOSIS WITH HEREDITARY HEMORRHAGIC TELANGIECTASIA. Identifiers: Orphanet 2929, MedGen C1832942, MONDO:0008278, OMIM 175050.

Submissions (4):

Labcorp Genetics (formerly Invitae), Labcorp
Classification: Likely benign for Juvenile polyposis syndrome. Last evaluated: 2025-10-25. Review status: criteria provided, single submitter. Criteria: Invitae Variant Classification Sherloc (09022015). Collection method: clinical testing. Allele origin: germline.

Myriad Genetics, Inc.
Classification: Benign for Juvenile polyposis/hereditary hemorrhagic telangiectasia syndrome. Last evaluated: 2025-03-18. Review status: criteria provided, single submitter. Criteria: Myriad Autosomal Dominant, Autosomal Recessive and X-Linked Classification Criteria (2023). Collection method: clinical testing. Allele origin: unknown.
Comment: This variant is considered benign. This variant is a silent/synonymous amino acid change and it is not expected to impact splicing.

Ambry Genetics
Classification: Likely benign for Hereditary cancer-predisposing syndrome; Familial thoracic aortic aneurysm and aortic dissection. Last evaluated: 2024-10-20. Review status: criteria provided, single submitter. Criteria: Ambry Variant Classification Scheme 2023. Collection method: clinical testing. Allele origin: germline.

PreventionGenetics, part of Exact Sciences
Classification: Likely benign for SMAD4-related condition. Last evaluated: 2023-07-20. Review status: no assertion criteria provided. Collection method: clinical testing. Allele origin: germline. Not counted in ClinVar's aggregate classification.
Comment: This variant is classified as likely benign based on ACMG/AMP sequence variant interpretation guidelines (Richards et al. 2015 PMID: 25741868, with internal and published modifications).

NM_005359.6(SMAD4):c.189A>G (p.Thr63=)

Gene: SMAD4 (SMAD family member 4; plus strand). Cytogenetic location: 18q21.2.
Variant type: single nucleotide variant.
Coding change: c.189A>G on transcript NM_005359.6 (MANE Select); coding-DNA position 189, A replaced by G.
Protein change: p.Thr63=; no amino-acid change (threonine 63 retained).
Molecular consequence: synonymous variant.
Genome position (GRCh38, 1-based): chr18:51,047,235, A>G. VCF-style: chr18-51047235-A-G. GRCh37 (hg19) VCF-style: chr18-48573605-A-G.
Identifiers: ClinVar variation 460546 (VCV000460546.15), dbSNP rs1555685033, ClinGen allele CA503873480.